The following is an entry in ClinVar:

ClinVar aggregate classification (germline): Uncertain significance. Review status: criteria provided, single submitter (1 of 4 stars). 2 submissions from 2 submitters: Uncertain significance (1). 1 of the submissions does not count toward it. Last evaluated 2024-11-25.

Conditions:
EBV-positive nodal T- and NK-cell lymphoma.

Submissions (2):

GeneDx
Classification: Uncertain significance. Last evaluated: 2024-11-25. Review status: criteria provided, single submitter. Criteria: GeneDx Variant Classification Process June 2021. Collection method: clinical testing. Allele origin: germline. Affected: yes.
Comment: Not observed at significant frequency in large population cohorts (gnomAD); In silico analysis supports that this missense variant has a deleterious effect on protein structure/function; Has not been previously published as pathogenic or benign to our knowledge

Department of Clinical Pathology, School of Medicine, Fujita Health University
Classification: Likely benign for EBV-positive nodal T- and NK-cell lymphoma. Review status: no assertion criteria provided. Collection method: research. Allele origin: unknown. Affected: yes. Not counted in ClinVar's aggregate classification.

NM_007118.4(TRIO):c.2776G>A (p.Gly926Arg)

Gene: TRIO (trio Rho guanine nucleotide exchange factor; plus strand). Cytogenetic location: 5p15.2.
Variant type: single nucleotide variant.
Coding change: c.2776G>A on transcript NM_007118.4 (MANE Select); coding-DNA position 2776, G replaced by A.
Protein change: p.Gly926Arg; replaces glycine 926 with arginine.
Molecular consequence: missense variant. On other transcripts: non-coding transcript variant (1).
Genome position (GRCh38, 1-based): chr5:14,366,881, G>A. VCF-style: chr5-14366881-G-A. GRCh37 (hg19) VCF-style: chr5-14366990-G-A.
Other names: c.2776G>A (NM_007118.2); short protein forms G926R.
Identifiers: ClinVar variation 2681623 (VCV002681623.2), dbSNP rs2532672263.